The following is an entry in ClinVar:

NM_000053.4(ATP7B):c.1617C>G (p.Pro539=)

Gene: ATP7B (ATPase copper transporting beta; minus strand). Cytogenetic location: 13q14.3.
Variant type: single nucleotide variant.
Coding change: c.1617C>G on transcript NM_000053.4 (MANE Select); coding-DNA position 1617, C replaced by G.
Protein change: p.Pro539=; no amino-acid change (proline 539 retained).
Molecular consequence: synonymous variant. On other transcripts: intron variant (1).
Genome position (GRCh38, 1-based): chr13:51,968,534, G>C on the plus strand (C>G on the coding strand, the complement: ATP7B is on the minus strand). VCF-style: chr13-51968534-G-C. GRCh37 (hg19) VCF-style: chr13-52542670-G-C.
Other names: c.1617C>G, p.Pro539= (NM_001005918.3, NM_001330578.2, NM_001330579.2 and 26 more transcripts); c.1284C>G, p.Pro428= (NM_001243182.2); c.1584C>G, p.Pro528= (NM_001406514.1, NM_001406524.1); c.1521C>G, p.Pro507= (NM_001406517.1, NM_001406518.1, NM_001406530.1 and 3 more transcripts); c.1188C>G, p.Pro396= (NM_001406539.1); c.1285+5401C>G (NM_001406548.1).
Identifiers: ClinVar variation 3072658 (VCV003072658.1), dbSNP rs1299450746, ClinGen allele CA483897789.

ClinVar aggregate classification (germline): Likely benign (1 of 4 stars; one submission).

Conditions:
Wilson disease (WND). Also called: Wilson's disease. Identifiers: Orphanet 905, MedGen C0019202, MONDO:0010200, OMIM 277900. Disease mechanism: loss of function.

Submission:

All of Us Research Program, National Institutes of Health
Classification: Likely benign for Wilson disease. Last evaluated: 2023-08-15. Review status: criteria provided, single submitter. Criteria: ACMG Guidelines, 2015. Collection method: clinical testing. Allele origin: germline. Inheritance: Autosomal recessive inheritance. Observed: 1 variant allele, 1 heterozygote.
Comment: This study involves interpretation of variants in research participants for the purpose of population health screening. Participant phenotype was not available at the time of variant classification. Additional details can be found in publication PMID: 35346344, PMCID: PMC8962531